The following is an entry in ClinVar:

NM_002184.4(IL6ST):c.1711G>C (p.Asp571His)

Gene: IL6ST (interleukin 6 cytokine family signal transducer; minus strand). Cytogenetic location: 5q11.2.
Variant type: single nucleotide variant.
Coding change: c.1711G>C on transcript NM_002184.4 (MANE Select); coding-DNA position 1711, G replaced by C.
Protein change: p.Asp571His; replaces aspartic acid 571 with histidine.
Molecular consequence: missense variant. On other transcripts: 3 prime UTR variant (1), non-coding transcript variant (2).
Genome position (GRCh38, 1-based): chr5:55,951,593, C>G on the plus strand (G>C on the coding strand, the complement: IL6ST is on the minus strand). VCF-style: chr5-55951593-C-G. GRCh37 (hg19) VCF-style: chr5-55247421-C-G.
Other names: c.1711G>C (NM_002184.3); c.1528G>C, p.Asp510His (NM_001190981.2); c.1609G>C, p.Asp537His (NM_001364275.2); c.1501G>C, p.Asp501His (NM_001364276.2); c.844G>C, p.Asp282His (NM_001364277.2); c.808G>C, p.Asp270His (NM_001364278.2); c.715G>C, p.Asp239His (NM_001364279.2); c.*638G>C (NM_175767.3); short protein forms D510H, D270H, D501H, D537H, D239H, D282H, D571H.
Identifiers: ClinVar variation 4692455 (VCV004692455.2).

ClinVar aggregate classification (germline): Uncertain significance. Review status: criteria provided, multiple submitters, no conflicts (2 of 4 stars). 2 submissions from 2 submitters: Uncertain significance (2). Last evaluated 2026-03-25.

gnomAD v4.1: 49 of 1,608,976 alleles (0.003%); highest among the groups gnomAD compares: Non-Finnish European, 0.0042%; no homozygotes.

Submissions (2):

Ambry Genetics
Classification: Uncertain significance. Last evaluated: 2026-03-25. Review status: criteria provided, single submitter. Criteria: Ambry Variant Classification Scheme 2023. Collection method: clinical testing. Allele origin: germline.

Labcorp Genetics (formerly Invitae), Labcorp
Classification: Uncertain significance. Last evaluated: 2025-06-04. Review status: criteria provided, single submitter. Criteria: Invitae Variant Classification Sherloc (09022015). Collection method: clinical testing. Allele origin: germline.
Comment: This sequence change replaces aspartic acid, which is acidic and polar, with histidine, which is basic and polar, at codon 571 of the IL6ST protein (p.Asp571His). This variant is present in population databases (no rsID available, gnomAD 0.002%). This variant has not been reported in the literature in individuals affected with IL6ST-related conditions. An algorithm developed to predict the effect of missense changes on protein structure and function (PolyPhen-2) suggests that this variant is likely to be disruptive. Algorithms developed to predict the effect of sequence changes on RNA splicing suggest that this variant may disrupt the consensus splice site. In summary, the available evidence is currently insufficient to determine the role of this variant in disease. Therefore, it has been classified as a Variant of Uncertain Significance.